The following is an entry in ClinVar:

NM_000256.3(MYBPC3):c.933G>A (p.Ser311=)

Gene: MYBPC3 (myosin binding protein C3; minus strand). Cytogenetic location: 11p11.2.
Variant type: single nucleotide variant.
Coding change: c.933G>A on transcript NM_000256.3 (MANE Select); coding-DNA position 933, G replaced by A.
Protein change: p.Ser311=; no amino-acid change (serine 311 retained).
Molecular consequence: synonymous variant.
Genome position (GRCh38, 1-based): chr11:47,346,364, C>T on the plus strand (G>A on the coding strand, the complement: MYBPC3 is on the minus strand). VCF-style: chr11-47346364-C-T. GRCh37 (hg19) VCF-style: chr11-47367915-C-T.
Identifiers: ClinVar variation 42809 (VCV000042809.22), dbSNP rs374326087, ClinGen allele CA016154.

ClinVar aggregate classification (germline): Benign/Likely benign. Review status: criteria provided, multiple submitters, no conflicts (2 of 4 stars). 8 submissions from 8 submitters: Benign (1); Likely benign (7). Last evaluated 2026-01-11.

Conditions:
MYBPC3-related disorder. Also called: MYBPC3-related disorders; MYBPC3-related condition; MYBPC3-related disease.
Cardiovascular phenotype. Identifiers: MedGen CN230736.
Cardiomyopathy (CMYO). Also called: Cardiomyopathies. Identifiers: Orphanet 167848, MedGen C0878544, MONDO:0004994, HP:0001638. Inheritance: Various modes of inheritance.
Hypertrophic cardiomyopathy. Also called: HYPERTROPHIC MYOCARDIOPATHY. Identifiers: Orphanet 217569, MedGen C0007194, MeSH D002312, MONDO:0005045, HP:0001639.

Allele frequency attached by ClinVar (database versions not stated): TOPMed 0.00003.
gnomAD v4.1: 67 of 1,586,720 alleles (0.0042%); highest among the groups gnomAD compares: Non-Finnish European, 0.0054%; no homozygotes.

Submissions (8):

Labcorp Genetics (formerly Invitae), Labcorp
Classification: Likely benign for Hypertrophic cardiomyopathy. Last evaluated: 2026-01-11. Review status: criteria provided, single submitter. Criteria: Invitae Variant Classification Sherloc (09022015). Collection method: clinical testing. Allele origin: germline.

PreventionGenetics, part of Exact Sciences
Classification: Likely benign for MYBPC3-related condition. Last evaluated: 2025-07-30. Review status: criteria provided, single submitter. Criteria: ACMG Guidelines, 2015. Collection method: clinical testing. Allele origin: germline.
Comment: This variant is classified as likely benign based on ACMG/AMP sequence variant interpretation guidelines (Richards et al. 2015 PMID: 25741868, with internal and published modifications).

Molecular Diagnostic Laboratory for Inherited Cardiovascular Disease, Montreal Heart Institute
Classification: Likely benign. Last evaluated: 2025-07-24. Review status: criteria provided, single submitter. Criteria: ACMG Guidelines, 2015. Collection method: clinical testing. Allele origin: germline. Affected: no.
Comment: BP7

All of Us Research Program, National Institutes of Health
Classification: Likely benign for Hypertrophic cardiomyopathy. Last evaluated: 2024-01-11. Review status: criteria provided, single submitter. Criteria: ACMG Guidelines, 2015. Collection method: clinical testing. Allele origin: germline. Inheritance: Autosomal dominant inheritance. Observed: 7 variant alleles, 7 heterozygotes.
Comment: This study involves interpretation of variants in research participants for the purpose of population health screening. Participant phenotype was not available at the time of variant classification. Additional details can be found in publication PMID: 35346344, PMCID: PMC8962531

Ambry Genetics
Classification: Likely benign for Cardiovascular phenotype. Last evaluated: 2022-02-22. Review status: criteria provided, single submitter. Criteria: Ambry Variant Classification Scheme 2023. Collection method: clinical testing. Allele origin: germline.

Color Diagnostics, LLC DBA Color Health
Classification: Likely benign for Cardiomyopathy. Last evaluated: 2018-12-10. Review status: criteria provided, single submitter. Criteria: ACMG Guidelines, 2015. Collection method: clinical testing. Allele origin: germline.

GeneDx
Classification: Benign. Last evaluated: 2015-03-03. Review status: criteria provided, single submitter. Criteria: GeneDx Variant Classification Process June 2021. Collection method: clinical testing. Allele origin: germline. Affected: yes.

Laboratory for Molecular Medicine, Mass General Brigham Personalized Medicine
Classification: Likely benign. Last evaluated: 2010-12-28. Review status: criteria provided, single submitter. Criteria: LMM Criteria. Collection method: clinical testing. Allele origin: germline. Observed: 2 variant alleles.
Comment: This variant is not expected to have clinical significance because it does not a lter an amino acid residue and is not located near a splice junction.

Literature cited by the submitters: PubMed 24503780 (cited by Ambry Genetics).